The following is an entry in ClinVar:

ClinVar aggregate classification (germline): Likely pathogenic (1 of 4 stars; one submission).

Conditions:
Developmental and epileptic encephalopathy, 85, with or without midline brain defects. Also called: EPILEPTIC ENCEPHALOPATHY, EARLY INFANTILE, 85, WITH OR WITHOUT MIDLINE BRAIN DEFECTS. Identifiers: MedGen C5393312, MONDO:0026771, OMIM 301044.

Submission:

Institute of Human Genetics, University of Leipzig Medical Center
Classification: Likely pathogenic for Developmental and epileptic encephalopathy, 85, with or without midline brain defects. Last evaluated: 2021-11-01. Review status: criteria provided, single submitter. Criteria: ACMG Guidelines, 2015. Collection method: clinical testing. Allele origin: unknown. Affected: yes.
Comment: _x000D_ Criteria applied: PVS1, PM2_SUP

NM_006306.4(SMC1A):c.1072_1073del (p.Gln359fs)

Gene: SMC1A (structural maintenance of chromosomes 1A; minus strand). Cytogenetic location: Xp11.22.
Variant type: Microsatellite.
Coding change: c.1072_1073del on transcript NM_006306.4 (MANE Select); coding-DNA positions 1072 to 1073, 2 bases deleted (AG; older notation c.1072_1073delAG).
Protein change: p.Gln359fs; shifts the reading frame from glutamine 359.
Molecular consequence: frameshift variant.
Genome position (GRCh38, 1-based): chrX:53,412,035-53,412,036, CT deleted on the plus strand (AG on the coding strand, the reverse complement: SMC1A is on the minus strand); deleting any 2 consecutive bases within chrX:53,412,035-53,412,040 gives the same sequence; the c. name uses the placement nearest the transcript's 3' end. VCF-style (leftmost placement, unchanged base first): chrX-53412034-ACT-A. GRCh37 (hg19) VCF-style: chrX-53438984-ACT-A.
Other names: c.1006_1007del, p.Gln337fs (NM_001281463.1); short protein forms Q337fs, Q359fs.
Identifiers: ClinVar variation 1325813 (VCV001325813.1), dbSNP rs2146604738, ClinGen allele CA2580612357.